The following is an entry in ClinVar:

ClinVar aggregate classification (germline): Uncertain significance. Review status: criteria provided, multiple submitters, no conflicts (2 of 4 stars). 3 submissions from 3 submitters: Uncertain significance (3). Last evaluated 2023-11-02.

Conditions:
Inborn genetic diseases. Identifiers: MedGen C0950123, MeSH D030342.
Achondroplasia (ACH). Also called: Achondroplastic dwarfism. Identifiers: Orphanet 15, MedGen C0001080, MONDO:0007037, OMIM 100800. Disease mechanism: gain of function.
Levy-Hollister syndrome (LADD). Also called: LADD syndrome. Identifiers: Orphanet 2363, MedGen C0265269, MONDO:0007872.
Camptodactyly-tall stature-scoliosis-hearing loss syndrome. Also called: CATSHL SYNDROME. Identifiers: Orphanet 85164, MedGen C1864852, MONDO:0012504, OMIM 610474.
Crouzon syndrome-acanthosis nigricans syndrome. Also called: CROUZONODERMOSKELETAL SYNDROME. Identifiers: Orphanet 93262, MedGen C2677099, MONDO:0012833, OMIM 612247.
Hypochondroplasia (HCH). Identifiers: Orphanet 429, MedGen C0410529, MONDO:0007793, OMIM 146000. Disease mechanism: gain of function.

Allele frequency attached by ClinVar (database versions not stated): gnomAD 0.00001; gnomAD exomes 0.00002 and 0.00003; TOPMed 0.00002; ExAC 0.00005.
gnomAD v4.1: 30 of 1,550,042 alleles (0.0019%); highest among the groups gnomAD compares: Admixed American, 0.0039%; no homozygotes.

Submissions (3):

Women's Health and Genetics/Laboratory Corporation of America, LabCorp
Classification: Uncertain significance. Last evaluated: 2023-11-02. Review status: criteria provided, single submitter. Criteria: LabCorp Variant Classification Summary - May 2015. Collection method: clinical testing. Allele origin: germline.
Comment: Variant summary: FGFR3 c.1331C>T (p.Ser444Phe) results in a non-conservative amino acid change in the encoded protein sequence. Five of five in-silico tools predict a damaging effect of the variant on protein function. The variant allele was found at a frequency of 2.6e-05 in 156178 control chromosomes (gnomAD). The available data on variant occurrences in the general population are insufficient to allow any conclusion about variant significance. To our knowledge, no occurrence of c.1331C>T in individuals affected with Achondroplasia and no experimental evidence demonstrating its impact on protein function have been reported. One submitter has cited a clinical-significance assessment for this variant to ClinVar after 2014 and has classified the variant as uncertain significance. Based on the evidence outlined above, the variant was classified as uncertain significance.

Labcorp Genetics (formerly Invitae), Labcorp
Classification: Uncertain significance. Last evaluated: 2023-04-15. Review status: criteria provided, single submitter. Criteria: Invitae Variant Classification Sherloc (09022015). Collection method: clinical testing. Allele origin: germline.
Comment: This variant is present in population databases (rs761325047, gnomAD 0.004%). In summary, the available evidence is currently insufficient to determine the role of this variant in disease. Therefore, it has been classified as a Variant of Uncertain Significance. Advanced modeling of protein sequence and biophysical properties (such as structural, functional, and spatial information, amino acid conservation, physicochemical variation, residue mobility, and thermodynamic stability) has been performed at Invitae for this missense variant, however the output from this modeling did not meet the statistical confidence thresholds required to predict the impact of this variant on FGFR3 protein function. ClinVar contains an entry for this variant (Variation ID: 585087). This variant has not been reported in the literature in individuals affected with FGFR3-related conditions. This sequence change replaces serine, which is neutral and polar, with phenylalanine, which is neutral and non-polar, at codon 444 of the FGFR3 protein (p.Ser444Phe).

Ambry Genetics
Classification: Uncertain significance for Inborn genetic diseases. Last evaluated: 2021-01-29. Review status: criteria provided, single submitter. Criteria: Ambry Variant Classification Scheme 2023. Collection method: clinical testing. Allele origin: germline.
Comment: The c.1331C>T (p.S444F) alteration is located in exon 10 (coding exon 9) of the FGFR3 gene. This alteration results from a C to T substitution at nucleotide position 1331, causing the serine (S) at amino acid position 444 to be replaced by a phenylalanine (F). The p.S444F alteration is predicted to be deleterious by in silico analysis. Based on insufficient or conflicting evidence, the clinical significance of this alteration remains unclear.

NM_000142.5(FGFR3):c.1331C>T (p.Ser444Phe)

Gene: FGFR3 (fibroblast growth factor receptor 3; plus strand). Cytogenetic location: 4p16.3.
Variant type: single nucleotide variant.
Coding change: c.1331C>T on transcript NM_000142.5 (MANE Select); coding-DNA position 1331, C replaced by T.
Protein change: p.Ser444Phe; replaces serine 444 with phenylalanine.
Molecular consequence: missense variant. On other transcripts: non-coding transcript variant (1).
Genome position (GRCh38, 1-based): chr4:1,804,888, C>T. VCF-style: chr4-1804888-C-T. GRCh37 (hg19) VCF-style: chr4-1806615-C-T.
Other names: c.1337C>T, p.Ser446Phe (NM_001163213.2); c.1334C>T, p.Ser445Phe (NM_001354809.2, NM_001354810.2); c.995C>T, p.Ser332Phe (NM_022965.4); short protein forms S444F, S446F, S332F, S445F.
Identifiers: ClinVar variation 585087 (VCV000585087.9), dbSNP rs761325047, ClinGen allele CA2810368.